The following is an entry in ClinVar:

ClinVar aggregate classification (germline): Likely benign. Review status: criteria provided, multiple submitters, no conflicts (2 of 4 stars). 2 submissions from 2 submitters: Likely benign (2). Last evaluated 2026-05-01.

Allele frequency attached by ClinVar (database versions not stated): TOPMed 0.00023; gnomAD exomes 0.00027; ESP Exome Variant Server 0.00031; ExAC 0.00043; 1000 Genomes Project 0.00060; 1000 Genomes Project 30x 0.00062; gnomAD 0.00021 and 0.00023.
gnomAD v4.1: 414 of 1,594,526 alleles (0.026%); highest among the groups gnomAD compares: South Asian, 0.15%; 2 homozygotes.

Submissions (2):

CeGaT Center for Human Genetics Tuebingen
Classification: Likely benign. Last evaluated: 2026-05-01. Review status: criteria provided, single submitter. Criteria: CeGaT Center For Human Genetics Tuebingen Variant Classification Criteria Version 2. Collection method: clinical testing. Allele origin: germline. Affected: yes. Observed: 1 variant allele.
Comment: CCDC88A: BP4, BP7

Labcorp Genetics (formerly Invitae), Labcorp
Classification: Likely benign. Last evaluated: 2025-12-11. Review status: criteria provided, single submitter. Criteria: Invitae Variant Classification Sherloc (09022015). Collection method: clinical testing. Allele origin: germline.

NM_001365480.1(CCDC88A):c.2976A>G (p.Gln992=)

Gene: CCDC88A (coiled-coil and HOOK domain protein 88A; minus strand). Cytogenetic location: 2p16.1.
Variant type: single nucleotide variant.
Coding change: c.2976A>G on transcript NM_001365480.1 (MANE Select); coding-DNA position 2976, A replaced by G.
Protein change: p.Gln992=; no amino-acid change (glutamine 992 retained).
Molecular consequence: synonymous variant.
Genome position (GRCh38, 1-based): chr2:55,328,315, T>C on the plus strand (A>G on the coding strand, the complement: CCDC88A is on the minus strand). VCF-style: chr2-55328315-T-C. GRCh37 (hg19) VCF-style: chr2-55555451-T-C.
Other names: c.2973A>G, p.Gln991= (NM_001135597.2, NM_001254943.2); c.2976A>G, p.Gln992= (NM_018084.5).
Identifiers: ClinVar variation 1549839 (VCV001549839.10), dbSNP rs145004924, ClinGen allele CA1665886.
Genomic context (GRCh38, chr2:55,328,315, plus strand): 5'-TAAATGATCCTTAAAATTCTTTCCAAGAAAATCACTTACTGTTTTAAGTTCTTGGCGCAA[T>C]TGCTGGTTATAATTCGTGGATTCTTCTAATCGAGCTTCTAAAGCAGCAATTTTTTCTTCT-3'
Protein context (NP_001352409.1, residues 982-1002): RLEESTNYNQ[Gln992=]LRQELKTVKK